The following is an entry in ClinVar:

NM_000321.3(RB1):c.1909C>T (p.Gln637Ter)

Gene: RB1 (RB transcriptional corepressor 1; plus strand). Cytogenetic location: 13q14.2.
Variant type: single nucleotide variant.
Coding change: c.1909C>T on transcript NM_000321.3 (MANE Select); coding-DNA position 1909, C replaced by T.
Protein change: p.Gln637Ter; replaces glutamine 637 with a stop codon.
Molecular consequence: nonsense.
Genome position (GRCh38, 1-based): chr13:48,456,298, C>T. VCF-style: chr13-48456298-C-T. GRCh37 (hg19) VCF-style: chr13-49030434-C-T.
Other names: L11910:g.153302C>T; c.1909C>T (NM_000321.2); short protein forms Q637*.
Identifiers: ClinVar variation 126788 (VCV000126788.6), dbSNP rs587778833, ClinGen allele CA026407.
Genomic context (GRCh38, chr13:48,456,298, plus strand): 5'-GGTTCAACTACGCGTGTAAATTCTACTGCAAATGCAGAGACACAAGCAACCTCAGCCTTC[C>T]AGACCCAGAAGCCATTGAAATCTACCTCTCTTTCACTGTTTTATAAAAAAGGTTAGTAGA-3'

ClinVar aggregate classification (germline): Pathogenic. Review status: criteria provided, multiple submitters, no conflicts (2 of 4 stars). 3 submissions from 3 submitters: Pathogenic (3). Last evaluated 2026-02-11.
ClinVar aggregate classification (oncogenicity): Likely oncogenic (1 of 4 stars; one submission).

Conditions:
Hereditary cancer-predisposing syndrome. Also called: Hereditary Cancer Syndrome; Hereditary neoplastic syndrome; Tumor predisposition; Neoplastic Syndromes, Hereditary. Identifiers: Orphanet 140162, MedGen C0027672, MeSH D009386, MONDO:0015356.
Retinoblastoma (RB1). Also called: RETINOBLASTOMA, SOMATIC. Identifiers: Orphanet 790, MedGen C0035335, MeSH D012175, MONDO:0008380, OMIM 180200, HP:0009919. Disease mechanism: loss of function. Inheritance: Both sporadic and heritable forms are tested..
Neoplasm. Also called: tumor; Neoplasms; Neoplasm (disease). Identifiers: MedGen C0027651, MeSH D009369, MONDO:0005070, HP:0002664.

Submissions (4):

St. Jude Molecular Pathology, St. Jude Children's Research Hospital
Classification: Pathogenic for Retinoblastoma. Last evaluated: 2026-02-11. Review status: criteria provided, single submitter. Criteria: St. Jude Assertion Criteria 2020. Collection method: clinical testing. Allele origin: germline.
Comment: The RB1 c.1909C>T p.(Gln637Ter) change is a nonsense variant that is predicted to cause premature protein truncation or absence of protein due to nonsense-mediated decay. This variant has been identified in individuals with retinoblastoma (PMID: 11317357, 12541220, 32218800, 31772335, internal data). This variant is absent in gnomAD v2.1.1. In summary, this variant meets criteria to be classified as pathogenic.

Center for Genomic Medicine, Rigshospitalet, Copenhagen University Hospital
Classification: Likely oncogenic for Neoplasm. Last evaluated: 2025-03-04. Review status: criteria provided, single submitter. Criteria: ClinGen/CGC/VICC Guidelines for Oncogenicity, 2022. Collection method: clinical testing. Allele origin: somatic. Affected: yes.

Ambry Genetics
Classification: Pathogenic for Hereditary cancer-predisposing syndrome. Last evaluated: 2024-07-25. Review status: criteria provided, single submitter. Criteria: Ambry Variant Classification Scheme 2023. Collection method: clinical testing. Allele origin: germline.
Comment: The p.Q637* pathogenic mutation (also known as c.1909C>T), located in coding exon 19 of the RB1 gene, results from a C to T substitution at nucleotide position 1909. This changes the amino acid from a glutamine to a stop codon within coding exon 19. This variant has been detected in multiple probands with bilateral retinoblastoma and has been reported as de novo in at least one individual (Alonso J et al. Hum Mutat, 2001 May;17:412-22; Rodr&iacute;guez-Mart&iacute;n C et al. J Hum Genet, 2020 Jan;65:165-174; Lan X et al. Front Genet, 2020 Mar;11:142). This variant is considered to be rare based on population cohorts in the Genome Aggregation Database (gnomAD). In addition to the clinical data presented in the literature, this alteration is expected to result in loss of function by premature protein truncation or nonsense-mediated mRNA decay. As such, this alteration is interpreted as a disease-causing mutation.

Genetic Diagnostic Laboratory, University of Pennsylvania School of Medicine
Classification: Pathogenic for Retinoblastoma. Last evaluated: 2024-05-20. Review status: criteria provided, single submitter. Criteria: ACMG Guidelines, 2015. Collection method: clinical testing. Allele origin: germline. Affected: yes. Observed: 2 variant alleles.
Comment: Case and Pedigree Information: BILATERAL CASES:2, UNILATERAL CASES:0, TOTAL CASES:2, PEDIGREES:2. ACMG Codes Applied:PVS1, PM2

Literature cited by the submitters: PubMed 11317357 (cited by Ambry Genetics); PubMed 31772335 (cited by Ambry Genetics); PubMed 32218800 (cited by Ambry Genetics).